The following is an entry in ClinVar:

NM_002878.4(RAD51D):c.667+1G>C

Genes: RAD51D (RAD51 paralog D; minus strand), RAD51L3-RFFL (RAD51L3-RFFL readthrough; minus strand). Cytogenetic location: 17q12.
Variant type: single nucleotide variant.
Coding change: c.667+1G>C on transcript NM_002878.4 (MANE Select); the canonical splice donor site of the intron after coding-DNA position 667, G replaced by C.
Molecular consequence: splice donor variant.
Genome position (GRCh38, 1-based): chr17:35,103,453, C>G on the plus strand (G>C on the coding strand, the complement: RAD51D is on the minus strand). VCF-style: chr17-35103453-C-G. GRCh37 (hg19) VCF-style: chr17-33430472-C-G.
Other names: c.331+1G>C (NM_133629.3); c.727+1G>C (NM_001142571.2).
Identifiers: ClinVar variation 5027813 (VCV005027813.1).

ClinVar aggregate classification (germline): Uncertain significance (1 of 4 stars; one submission).

Conditions:
Hereditary cancer-predisposing syndrome. Also called: Neoplastic Syndromes, Hereditary; Tumor predisposition; Hereditary neoplastic syndrome; Hereditary Cancer Syndrome. Identifiers: Orphanet 140162, MedGen C0027672, MeSH D009386, MONDO:0015356.

Submission:

Ambry Genetics
Classification: Uncertain significance for Hereditary cancer-predisposing syndrome. Last evaluated: 2026-06-22. Review status: criteria provided, single submitter. Criteria: Ambry Variant Classification Scheme 2023. Collection method: clinical testing. Allele origin: germline.
Comment: The c.667+1G>C intronic variant results from a G to C substitution one nucleotide after coding exon 7 of the RAD51D gene. Variants that disrupt the canonical splice site are expected to result in aberrant splicing. In silico splice site analysis predicts that this alteration will weaken the native splice donor site and may result in the creation or strengthening of a novel splice donor site; however, direct evidence is insufficient at this time (Ambry internal data). A resulting transcript is predicted to be in-frame and is not expected to trigger nonsense-mediated mRNAdecay; although, direct evidence is unavailable. This nucleotide position is highly conserved in available vertebrate species. Based on the available evidence, the clinical significance of this variant remains unclear.